The following is an entry in ClinVar:

NM_001278716.2(FBXL4):c.230A>G (p.Asn77Ser)

Gene: FBXL4 (F-box and leucine rich repeat protein 4; minus strand). Cytogenetic location: 6q16.2.
Variant type: single nucleotide variant.
Coding change: c.230A>G on transcript NM_001278716.2 (MANE Select); coding-DNA position 230, A replaced by G.
Protein change: p.Asn77Ser; replaces asparagine 77 with serine.
Molecular consequence: missense variant. On other transcripts: non-coding transcript variant (2).
Genome position (GRCh38, 1-based): chr6:98,926,759, T>C on the plus strand (A>G on the coding strand, the complement: FBXL4 is on the minus strand). VCF-style: chr6-98926759-T-C. GRCh37 (hg19) VCF-style: chr6-99374635-T-C.
Other names: c.230A>G, p.Asn77Ser (NM_012160.5); short protein forms N77S.
Identifiers: ClinVar variation 437555 (VCV000437555.1), dbSNP rs771565511, ClinGen allele CA3933716.
Genomic context (GRCh38, chr6:98,926,759, plus strand): 5'-AACACAGCTGTCTGAGTAAAGTCACCAGAACTTGGGAATACATTTGGTACACCAGCCAAA[T>C]TCCACATAGTATAGGACATACTATTCTCACTTCCATAATGGGAACTGAAATCCACTACTT-3'
Protein context (NP_001265645.1, residues 67-87): SENSMSYTMW[Asn77Ser]LAGVPNVFPS

ClinVar aggregate classification (germline): Uncertain significance (1 of 4 stars; one submission).

Conditions:
Mitochondrial DNA depletion syndrome 13. Also called: FBXL4-Related Encephalomyopathic Mitochondrial DNA Depletion Syndrome; Mitochondrial DNA depletion syndrome 13 (encephalomyopathic type). Identifiers: Orphanet 369897, MedGen C3809592, MONDO:0014198, OMIM 615471.

Allele frequency attached by ClinVar (database versions not stated): gnomAD exomes below 0.00001 and 0.00001; ExAC 0.00001.
gnomAD v4.1: 4 of 1,614,210 alleles (0.00025%); highest among the groups gnomAD compares: South Asian, 0.0044%; no homozygotes.

Submission:

Wong Mito Lab, Molecular and Human Genetics, Baylor College of Medicine
Classification: Uncertain significance for Mitochondrial DNA depletion syndrome 13. Last evaluated: 2017-08-10. Review status: criteria provided, single submitter. Criteria: ACMG Guidelines, 2015. Collection method: reference population. Allele origin: germline.
Comment: The NM_012160.4:c.230A>G (NP_036292.2:p.Asn77Ser) [GRCH38: NC_000006.12:g.98926759T>C] variant in FBXL4 gene is interpretated to be a Uncertain Significance - Insufficient Evidence based on ACMG guidelines (PMID: 25741868). This variant meets one or more of the following evidence codes reported in the ACMG-guideline. PM2:This variant is absent in key population databases. PP3:Computational evidence/predictors indicate the variant has deleterious effect on FBXL4 structure, function, or protein-protein interaction. Based on this evidence code ClinGen Pathogenicity Calculator (PMID:28081714) suggested that the variant is Uncertain Significance - Insufficient Evidence.